The following is an entry in ClinVar:

NM_001903.5(CTNNA1):c.477del (p.Asp159fs)

Gene: CTNNA1 (catenin alpha 1; plus strand). Cytogenetic location: 5q31.2.
Variant type: Deletion.
Coding change: c.477del on transcript NM_001903.5 (MANE Select); coding-DNA position 477, one base deleted (T; older notation c.477delT).
Protein change: p.Asp159fs; shifts the reading frame from aspartic acid 159.
Molecular consequence: frameshift variant.
Genome position (GRCh38, 1-based): chr5:138,812,191, T deleted. VCF-style (leftmost placement, unchanged base first): chr5-138812190-AT-A. GRCh37 (hg19) VCF-style: chr5-138147879-AT-A.
Other names: c.477del, p.Asp159fs (NM_001290307.3, NM_001323982.2, NM_001323983.1 and 3 more transcripts); c.168del, p.Asp56fs (NM_001290309.3); c.108del, p.Asp36fs (NM_001290310.3); short protein forms D159fs, D56fs, D36fs.
Identifiers: ClinVar variation 5006841 (VCV005006841.2).

ClinVar aggregate classification (germline): Likely pathogenic (1 of 4 stars; one submission).

Conditions:
Patterned macular dystrophy 2. Identifiers: Orphanet 99001, MedGen C1837029, MONDO:0012162, OMIM 608970.

Submission:

Juno Genomics, Hangzhou Juno Genomics, Inc
Classification: Likely pathogenic for Patterned macular dystrophy 2. Review status: criteria provided, single submitter. Criteria: ACMG Guidelines, 2015. Collection method: clinical testing. Allele origin: germline.
Comment: Null variant in a gene where loss of function (LOF) is a known mechanism of disease.;Absent from controls (or at extremely low frequency if recessive) in Genome Aggregation Database.